The following is an entry in ClinVar:

ClinVar aggregate classification (germline): Uncertain significance (1 of 4 stars; one submission).

Allele frequency attached by ClinVar (database versions not stated): gnomAD 0.00001; ExAC 0.00002; gnomAD exomes 0.00002; TOPMed 0.00002.
gnomAD v4.1: 10 of 1,610,960 alleles (0.00062%); highest among the groups gnomAD compares: East Asian, 0.0045%; no homozygotes.

Submission:

Labcorp Genetics (formerly Invitae), Labcorp
Classification: Uncertain significance. Last evaluated: 2025-10-18. Review status: criteria provided, single submitter. Criteria: Invitae Variant Classification Sherloc (09022015). Collection method: clinical testing. Allele origin: germline.
Comment: This sequence change replaces alanine, which is neutral and non-polar, with threonine, which is neutral and polar, at codon 570 of the RBP3 protein (p.Ala570Thr). This variant is present in population databases (rs782705267, gnomAD 0.007%). This variant has not been reported in the literature in individuals affected with RBP3-related conditions. ClinVar contains an entry for this variant (Variation ID: 1020765). Invitae Evidence Modeling of protein sequence and biophysical properties (such as structural, functional, and spatial information, amino acid conservation, physicochemical variation, residue mobility, and thermodynamic stability) indicates that this missense variant is not expected to disrupt RBP3 protein function with a negative predictive value of 80%. In summary, the available evidence is currently insufficient to determine the role of this variant in disease. Therefore, it has been classified as a Variant of Uncertain Significance.

NM_002900.3(RBP3):c.1708G>A (p.Ala570Thr)

Gene: RBP3 (retinol binding protein 3; plus strand). Cytogenetic location: 10q11.22.
Variant type: single nucleotide variant.
Coding change: c.1708G>A on transcript NM_002900.3 (MANE Select); coding-DNA position 1708, G replaced by A.
Protein change: p.Ala570Thr; replaces alanine 570 with threonine.
Molecular consequence: missense variant.
Genome position (GRCh38, 1-based): chr10:47,350,192, G>A. VCF-style: chr10-47350192-G-A. GRCh37 (hg19) VCF-style: chr10-48389170-C-T.
Other names: short protein forms A570T.
Identifiers: ClinVar variation 1020765 (VCV001020765.7), dbSNP rs782705267, ClinGen allele CA5487459.
Genomic context (GRCh38, chr10:47,350,192, plus strand): 5'-GAGGAGTTCGCCTTCCTTATGCAGTCGCTGGGCTGGGCCACACTGGTAGGTGAGATCACC[G>A]CGGGCAACCTGCTGCACACCCGCACGGTGCCGCTGCTGGACACACCCGAAGGCAGCCTCG-3'
Protein context (NP_002891.1, residues 560-580): GWATLVGEIT[Ala570Thr]GNLLHTRTVP